The following is an entry in ClinVar:

ClinVar aggregate classification (germline): Likely benign. Review status: criteria provided, multiple submitters, no conflicts (2 of 4 stars). 2 submissions from 2 submitters: Likely benign (2). Last evaluated 2025-03-26.

Conditions:
Epidermolysis bullosa simplex 3, localized or generalized intermediate, with BP230 deficiency (EBS3). Also called: Epidermolysis bullosa simplex due to BP230 deficiency; Epidermolysis bullosa simplex, autosomal recessive 2. Identifiers: Orphanet 412181, MedGen C3809470, MONDO:0014180, OMIM 615425.
Hereditary sensory and autonomic neuropathy type 6. Also called: Neuropathy, hereditary sensory and autonomic, type VI; HSAN VI. Identifiers: Orphanet 314381, MedGen C3539003, MONDO:0013839, OMIM 614653.
DST-related disorder. Also called: DST-related disorders; DST-related condition.

Allele frequency attached by ClinVar (database versions not stated): gnomAD exomes 0.00006; ExAC 0.00007; ESP Exome Variant Server 0.00008; 1000 Genomes Project 30x 0.00016; gnomAD 0.00017; TOPMed 0.00018; 1000 Genomes Project 0.00020.
gnomAD v4.1: 62 of 1,614,118 alleles (0.0038%); highest among the groups gnomAD compares: African/African-American, 0.061%; no homozygotes.

Submissions (2):

Labcorp Genetics (formerly Invitae), Labcorp
Classification: Likely benign for Epidermolysis bullosa simplex 3, localized or generalized intermediate, with BP230 deficiency; Hereditary sensory and autonomic neuropathy type 6. Last evaluated: 2025-03-26. Review status: criteria provided, single submitter. Criteria: Invitae Variant Classification Sherloc (09022015). Collection method: clinical testing. Allele origin: germline.

PreventionGenetics, part of Exact Sciences
Classification: Likely benign for DST-related condition. Last evaluated: 2025-03-17. Review status: criteria provided, single submitter. Criteria: ACMG Guidelines, 2015. Collection method: clinical testing. Allele origin: germline.
Comment: This variant is classified as likely benign based on ACMG/AMP sequence variant interpretation guidelines (Richards et al. 2015 PMID: 25741868, with internal and published modifications).

NM_001723.7(DST):c.5145G>A (p.Arg1715=)

Gene: DST (dystonin; minus strand). Cytogenetic location: 6p12.1.
Variant type: single nucleotide variant.
Coding change: c.5145G>A on transcript NM_001723.7 (MANE Plus Clinical); coding-DNA position 5145, G replaced by A.
Protein change: p.Arg1715=; no amino-acid change (arginine 1715 retained).
Molecular consequence: synonymous variant. On other transcripts: intron variant (10).
Genome position (GRCh38, 1-based): chr6:56,618,889, C>T on the plus strand (G>A on the coding strand, the complement: DST is on the minus strand). VCF-style: chr6-56618889-C-T. GRCh37 (hg19) VCF-style: chr6-56483687-C-T.
Other names: c.4831-4405G>A (NM_001144769.5); c.4930-4405G>A (NM_001374722.1, NM_001374736.1); c.4957-4405G>A (NM_001374734.1); c.4417-4405G>A (NM_001144770.2); c.4297-4405G>A (NM_001374730.1, NM_001386100.1, NM_183380.4 and 1 more transcripts); c.3319-4405G>A (NM_015548.5).
Identifiers: ClinVar variation 706090 (VCV000706090.12), dbSNP rs147759423, ClinGen allele CA3870410.